The following is an entry in ClinVar:

ClinVar aggregate classification (germline): Uncertain significance (1 of 4 stars; one submission).

gnomAD v4.1: 1 of 1,614,172 alleles (0.000062%); highest among the groups gnomAD compares: Non-Finnish European, 0.000085%; no homozygotes.

Submission:

Labcorp Genetics (formerly Invitae), Labcorp
Classification: Uncertain significance. Last evaluated: 2025-05-15. Review status: criteria provided, single submitter. Criteria: Invitae Variant Classification Sherloc (09022015). Collection method: clinical testing. Allele origin: germline.
Comment: This sequence change replaces leucine, which is neutral and non-polar, with phenylalanine, which is neutral and non-polar, at codon 300 of the TRPC3 protein (p.Leu300Phe). This variant is present in population databases (rs199953665, gnomAD 0.0009%). This variant has not been reported in the literature in individuals affected with TRPC3-related conditions. Invitae Evidence Modeling of protein sequence and biophysical properties (such as structural, functional, and spatial information, amino acid conservation, physicochemical variation, residue mobility, and thermodynamic stability) has been performed for this missense variant. However, the output from this modeling did not meet the statistical confidence thresholds required to predict the impact of this variant on TRPC3 protein function. In summary, the available evidence is currently insufficient to determine the role of this variant in disease. Therefore, it has been classified as a Variant of Uncertain Significance.

NM_001130698.2(TRPC3):c.898C>T (p.Leu300Phe)

Gene: TRPC3 (transient receptor potential cation channel subfamily C member 3; minus strand). Cytogenetic location: 4q27.
Variant type: single nucleotide variant.
Coding change: c.898C>T on transcript NM_001130698.2 (MANE Select); coding-DNA position 898, C replaced by T.
Protein change: p.Leu300Phe; replaces leucine 300 with phenylalanine.
Molecular consequence: missense variant.
Genome position (GRCh38, 1-based): chr4:121,932,360, G>A on the plus strand (C>T on the coding strand, the complement: TRPC3 is on the minus strand). VCF-style: chr4-121932360-G-A. GRCh37 (hg19) VCF-style: chr4-122853515-G-A.
Other names: c.898C>T, p.Leu300Phe (NM_001366479.2); c.679C>T, p.Leu227Phe (NM_003305.2); short protein forms L227F, L300F.
Identifiers: ClinVar variation 4741070 (VCV004741070.1).